The following is an entry in ClinVar:

NM_002340.6(LSS):c.831G>C (p.Arg277Ser)

Gene: LSS (lanosterol synthase; minus strand). Cytogenetic location: 21q22.3.
Variant type: single nucleotide variant.
Coding change: c.831G>C on transcript NM_002340.6 (MANE Select); coding-DNA position 831, G replaced by C.
Protein change: p.Arg277Ser; replaces arginine 277 with serine.
Molecular consequence: missense variant.
Genome position (GRCh38, 1-based): chr21:46,215,746, C>G on the plus strand (G>C on the coding strand, the complement: LSS is on the minus strand). VCF-style: chr21-46215746-C-G. GRCh37 (hg19) VCF-style: chr21-47635660-C-G.
Other names: c.831G>C, p.Arg277Ser (NM_001001438.3); c.798G>C, p.Arg266Ser (NM_001145436.2); c.591G>C, p.Arg197Ser (NM_001145437.2); short protein forms R197S, R266S, R277S.
Identifiers: ClinVar variation 2506958 (VCV002506958.2), dbSNP rs372085420, ClinGen allele CA410520240.

ClinVar aggregate classification (germline): Uncertain significance (1 of 4 stars; one submission).

Conditions:
Hypotrichosis 14. Identifiers: MedGen C4748930, MONDO:0032649, OMIM 618275.

gnomAD v4.1: 2 of 1,612,868 alleles (0.00012%); highest among the groups gnomAD compares: South Asian, 0.0022%; no homozygotes.

Submission:

Institute of Medical Genetics and Genomics, Sir Ganga Ram Hospital
Classification: Uncertain significance for Hypotrichosis 14. Last evaluated: 2023-06-28. Review status: criteria provided, single submitter. Criteria: ACMG Guidelines, 2015. Collection method: clinical testing. Allele origin: unknown. Inheritance: Autosomal recessive inheritance. Affected: no. Observed: 1 heterozygote.
Comment: This variant has not been found in gnomAD (aggregated) database (PM2_moderate). In-silico prediction tools predict this variant to have a deleterious effect (PP3_supporting).